The following is an entry in ClinVar:

ClinVar aggregate classification (germline): Likely benign (1 of 4 stars; one submission).

Conditions:
EPCAM-related disorder. Also called: EPCAM-related condition.

Submission:

PreventionGenetics, part of Exact Sciences
Classification: Likely benign for EPCAM-related condition. Last evaluated: 2025-08-11. Review status: criteria provided, single submitter. Criteria: ACMG Guidelines, 2015. Collection method: clinical testing. Allele origin: germline.
Comment: This variant is classified as likely benign based on ACMG/AMP sequence variant interpretation guidelines (Richards et al. 2015 PMID: 25741868, with internal and published modifications).

NM_002354.3(EPCAM):c.393T>C (p.Thr131=)

Gene: EPCAM (epithelial cell adhesion molecule; plus strand). Cytogenetic location: 2p21.
Variant type: single nucleotide variant.
Coding change: c.393T>C on transcript NM_002354.3 (MANE Select); coding-DNA position 393, T replaced by C.
Protein change: p.Thr131=; no amino-acid change (threonine 131 retained).
Molecular consequence: synonymous variant.
Genome position (GRCh38, 1-based): chr2:47,374,016, T>C. VCF-style: chr2-47374016-T-C. GRCh37 (hg19) VCF-style: chr2-47601155-T-C.
Identifiers: ClinVar variation 5001265 (VCV005001265.1).
Genomic context (GRCh38, chr2:47,374,016, plus strand): 5'-CGGCACCTCCATGTGCTGGTGTGTGAACACTGCTGGGGTCAGAAGAACAGACAAGGACAC[T>C]GAAATAACCTGCTCTGAGCGAGTGAGAACCTAGTGAGTGGGGCTGCCTATACTACTTGTT-3'
Protein context (NP_002345.2, residues 121-141): TAGVRRTDKD[Thr131=]EITCSERVRT